The following is an entry in ClinVar:

ClinVar aggregate classification (germline): Benign/Likely benign. Review status: criteria provided, multiple submitters, no conflicts (2 of 4 stars). 6 submissions from 6 submitters: Benign (4); Likely benign (1). 1 of the submissions does not count toward it. Last evaluated 2025-12-01.

Conditions:
KIF1C-related disorder. Also called: KIF1C-related condition.
Spastic ataxia 2. Also called: Ataxia, spastic, 2, autosomal recessive. Identifiers: Orphanet 397946, MedGen C1969796, MONDO:0012651, OMIM 611302.

Allele frequency attached by ClinVar (database versions not stated): gnomAD exomes 0.00095; ExAC 0.00117; gnomAD 0.00353 and 0.00374; 1000 Genomes Project 30x 0.00359; 1000 Genomes Project 0.00399; TOPMed 0.00413; ESP Exome Variant Server 0.00492.
gnomAD v4.1: 1,029 of 1,613,940 alleles (0.064%); highest among the groups gnomAD compares: African/African-American, 1.2%; 10 homozygotes.

Submissions (6):

Labcorp Genetics (formerly Invitae), Labcorp
Classification: Benign for Spastic ataxia 2. Last evaluated: 2025-12-01. Review status: criteria provided, single submitter. Criteria: Invitae Variant Classification Sherloc (09022015). Collection method: clinical testing. Allele origin: germline.

Blueprint Genetics
Classification: Likely benign. Last evaluated: 2024-10-21. Review status: criteria provided, single submitter. Criteria: ACMG Guidelines, 2015. Collection method: clinical testing. Allele origin: germline.

Mayo Clinic Laboratories, Mayo Clinic
Classification: Benign. Last evaluated: 2024-05-01. Review status: criteria provided, single submitter. Criteria: ACMG Guidelines, 2015. Collection method: clinical testing. Allele origin: germline. Observed: 2 variant alleles.
Comment: BA1, BP4, BP7

GeneDx
Classification: Benign. Last evaluated: 2020-02-27. Review status: criteria provided, single submitter. Criteria: GeneDx Variant Classification Process June 2021. Collection method: clinical testing. Allele origin: germline. Affected: yes.

Breakthrough Genomics
Classification: Benign. Review status: criteria provided, single submitter. Criteria: ACMG Guidelines, 2015. Collection method: not provided. Allele origin: germline. Inheritance: Autosomal recessive inheritance. Affected: yes.

PreventionGenetics, part of Exact Sciences
Classification: Benign for KIF1C-related condition. Last evaluated: 2019-08-07. Review status: no assertion criteria provided. Collection method: clinical testing. Allele origin: germline. Not counted in ClinVar's aggregate classification.
Comment: This variant is classified as benign based on ACMG/AMP sequence variant interpretation guidelines (Richards et al. 2015 PMID: 25741868, with internal and published modifications).

NM_006612.6(KIF1C):c.2646T>C (p.Asn882=)

Gene: KIF1C (kinesin family member 1C; plus strand). Cytogenetic location: 17p13.2.
Variant type: single nucleotide variant.
Coding change: c.2646T>C on transcript NM_006612.6 (MANE Select); coding-DNA position 2646, T replaced by C.
Protein change: p.Asn882=; no amino-acid change (asparagine 882 retained).
Molecular consequence: synonymous variant.
Genome position (GRCh38, 1-based): chr17:5,023,485, T>C. VCF-style: chr17-5023485-T-C. GRCh37 (hg19) VCF-style: chr17-4926780-T-C.
Other names: p.Asn882=.
Identifiers: ClinVar variation 705540 (VCV000705540.18), dbSNP rs77312856, ClinGen allele CA8319355.